The following is an entry in ClinVar:

NM_001183.6(ATP6AP1):c.938A>G (p.Tyr313Cys)

Gene: ATP6AP1 (ATPase H+ transporting accessory protein 1; plus strand). Cytogenetic location: Xq28.
Variant type: single nucleotide variant.
Coding change: c.938A>G on transcript NM_001183.6 (MANE Select); coding-DNA position 938, A replaced by G.
Protein change: p.Tyr313Cys; replaces tyrosine 313 with cysteine.
Molecular consequence: missense variant.
Genome position (GRCh38, 1-based): chrX:154,435,153, A>G. VCF-style: chrX-154435153-A-G. GRCh37 (hg19) VCF-style: chrX-153663499-A-G.
Other names: NM_001183.6(ATP6AP1):c.938A>G; c.938A>G (NM_001183.5); short protein forms Y313C.
Identifiers: ClinVar variation 236242 (VCV000236242.5), dbSNP rs878853278, ClinGen allele CA10581577.
Genomic context (GRCh38, chrX:154,435,153, plus strand): 5'-GGCCCTCCCAGAGCCTCACAGTGCGCCTCTTTCTCTGGCCCCACAGGCTCTCACTGACCT[A>G]TGAACGACTCTTTGGTACCACAGTGACATTCAAGTGAGTCCTGGGGGTGGTTGAGGTATG-3'
Protein context (NP_001174.2, residues 303-323): NDSFARLSLT[Tyr313Cys]ERLFGTTVTF

ClinVar aggregate classification (germline): Conflicting classifications of pathogenicity. Review status: criteria provided, conflicting classifications (1 of 4 stars). 3 submissions from 3 submitters: Pathogenic (1); Uncertain significance (1). 1 of the submissions does not count toward it. Last evaluated 2026-08-12.

Conditions:
Immunodeficiency 47 (IMD47). Also called: IMMUNODEFICIENCY AND HEPATOPATHY WITH OR WITHOUT NEUROLOGIC FEATURES. Identifiers: Orphanet 692790, MedGen C4310819, MONDO:0010504, OMIM 300972.

Submissions (3):

Broad Center for Mendelian Genomics, Broad Institute of MIT and Harvard
Classification: Uncertain significance for Immunodeficiency 47. Last evaluated: 2026-08-12. Review status: criteria provided, single submitter. Criteria: ACMG Guidelines, 2015. Collection method: research. Allele origin: germline. Inheritance: X-linked inheritance. Study: GREGoR Consortium.
Comment: The p.Tyr313Cys variant in ATP6AP1 has been previously reported in 2 unrelated individuals with immunodeficiency 47 (PMID: 37108612, PMID: 27231034). The number of reported affected individuals with this variant is slightly greater than expected compared to non-affected individuals with this variant. This variant was found to be de novo in one individual with confirmed paternity and maternity (PMID: 27231034). This variant has also been reported in ClinVar (Variation ID: 236242) and has been interpreted as pathogenic by OMIM and GeneDx. This variant was absent from large population studies. In vitro functional studies provide some evidence that the p.Tyr313Cys variant may impact protein function (PMID: 27231034). However, these types of assays may not accurately represent biological function. The p.Tyr313Cys variant is located in a region of ATP6AP1 that is essential to protein folding and stability, suggesting that this variant is in a functional domain and slightly supports pathogenicity (PMID: 33065002). Computational prediction tools and conservation analyses do not provide strong support for or against an impact to the protein. In summary, while there is some suspicion for a pathogenic role, the clinical significance of this variant is uncertain. ACMG/AMP Criteria applied: PS2_supporting, PS3_Supporting, PS4_Supporting, PM1_Supporting, PM2_Supporting (Richards 2015).

GeneDx
Classification: Pathogenic. Last evaluated: 2023-07-26. Review status: criteria provided, single submitter. Criteria: GeneDx Variant Classification Process June 2021. Collection method: clinical testing. Allele origin: germline. Affected: yes.
Comment: Published functional studies demonstrate a damaging effect due to decreased protein activity (Jansen et al., 2016); In silico analysis supports that this missense variant has a deleterious effect on protein structure/function; Not observed at significant frequency in large population cohorts (gnomAD); This variant is associated with the following publications: (PMID: 32216104, 35732497, 34621841, 33065002, 32790950, 32629928, 27231034)

OMIM
Classification: Pathogenic for IMMUNODEFICIENCY 47. Last evaluated: 2017-02-13. Review status: no assertion criteria provided. Collection method: literature only. Allele origin: germline. Not counted in ClinVar's aggregate classification.

Literature cited by the submitters: PubMed 27231034 (cited by OMIM).